The following is an entry in ClinVar:

NM_003036.4(SKI):c.2144_*28del (p.Pro715_Ter729delinsXaa)

Gene: SKI (SKI proto-oncogene; plus strand). Cytogenetic location: 1p36.32.
Variant type: Deletion.
Coding change: c.2144_*28del on transcript NM_003036.4 (MANE Select); coding-DNA position 2144 through 28 bases downstream of the stop codon, 72 bases deleted.
Protein change: p.Pro715_Ter729delinsXaa.
Molecular consequence: stop lost.
Genome position (GRCh38, 1-based): chr1:2,306,722-2,306,793, 72 bases deleted. GRCh37 (hg19): chr1:2,238,161-2,238,232.
Identifiers: ClinVar variation 4074515 (VCV004074515.1).

ClinVar aggregate classification (germline): Uncertain significance (1 of 4 stars; one submission).

Submission:

GeneDx
Classification: Uncertain significance. Last evaluated: 2025-02-05. Review status: criteria provided, single submitter. Criteria: GeneDx Variant Classification Process June 2021. Collection method: clinical testing. Allele origin: germline. Affected: yes.
Comment: Not observed at significant frequency in large population cohorts (gnomAD); Frameshift variant predicted to result in abnormal protein length as the last 14 amino acids are replaced with 40 different amino acids; Has not been previously published as pathogenic or benign to our knowledge